The following is an entry in ClinVar:

ClinVar aggregate classification (germline): Uncertain significance. Review status: criteria provided, multiple submitters, no conflicts (2 of 4 stars). 2 submissions from 2 submitters: Uncertain significance (2). Last evaluated 2025-06-19.

Conditions:
Mosaic variegated aneuploidy syndrome 2 (MVA2). Identifiers: Orphanet 1052, MedGen C3279843, MONDO:0013582, OMIM 614114.
Inborn genetic diseases. Identifiers: MedGen C0950123, MeSH D030342.

gnomAD v4.1: 6 of 1,613,990 alleles (0.00037%); highest among the groups gnomAD compares: Non-Finnish European, 0.00051%; no homozygotes.

Submissions (2):

Ambry Genetics
Classification: Uncertain significance for Inborn genetic diseases. Last evaluated: 2025-06-19. Review status: criteria provided, single submitter. Criteria: Ambry Variant Classification Scheme 2023. Collection method: clinical testing. Allele origin: germline.
Comment: The p.H31Y variant (also known as c.91C>T), located in coding exon 2 of the CEP57 gene, results from a C to T substitution at nucleotide position 91. The histidine at codon 31 is replaced by tyrosine, an amino acid with similar properties. This amino acid position is conserved. In addition, this alteration is predicted to be tolerated by in silico analysis. Based on the available evidence, the clinical significance of this variant remains unclear.

Labcorp Genetics (formerly Invitae), Labcorp
Classification: Uncertain significance for Mosaic variegated aneuploidy syndrome 2. Last evaluated: 2025-05-25. Review status: criteria provided, single submitter. Criteria: Invitae Variant Classification Sherloc (09022015). Collection method: clinical testing. Allele origin: germline.
Comment: This sequence change replaces histidine, which is basic and polar, with tyrosine, which is neutral and polar, at codon 31 of the CEP57 protein (p.His31Tyr). This variant is not present in population databases (gnomAD no frequency). This variant has not been reported in the literature in individuals affected with CEP57-related conditions. Invitae Evidence Modeling of protein sequence and biophysical properties (such as structural, functional, and spatial information, amino acid conservation, physicochemical variation, residue mobility, and thermodynamic stability) indicates that this missense variant is not expected to disrupt CEP57 protein function with a negative predictive value of 80%. In summary, the available evidence is currently insufficient to determine the role of this variant in disease. Therefore, it has been classified as a Variant of Uncertain Significance.

NM_014679.5(CEP57):c.91C>T (p.His31Tyr)

Gene: CEP57 (centrosomal protein 57; plus strand). Cytogenetic location: 11q21.
Variant type: single nucleotide variant.
Coding change: c.91C>T on transcript NM_014679.5 (MANE Select); coding-DNA position 91, C replaced by T.
Protein change: p.His31Tyr; replaces histidine 31 with tyrosine.
Molecular consequence: missense variant.
Genome position (GRCh38, 1-based): chr11:95,799,277, C>T. VCF-style: chr11-95799277-C-T. GRCh37 (hg19) VCF-style: chr11-95532441-C-T.
Other names: c.64C>T, p.His22Tyr (NM_001243776.2); c.91C>T, p.His31Tyr (NM_001243777.2, NM_001440871.1, NM_001440872.1 and 6 more transcripts); c.10C>T, p.His4Tyr (NM_001363604.2, NM_001440869.1, NM_001440870.1 and 4 more transcripts); short protein forms H4Y, H22Y, H31Y.
Identifiers: ClinVar variation 4226330 (VCV004226330.2).